The following is an entry in ClinVar:

NM_001035.3(RYR2):c.9129-7T>G

Gene: RYR2 (ryanodine receptor 2; plus strand). Cytogenetic location: 1q43.
Variant type: single nucleotide variant.
Coding change: c.9129-7T>G on transcript NM_001035.3 (MANE Select); 7 bases into the intron before coding-DNA position 9129, T replaced by G.
Molecular consequence: intron variant.
Genome position (GRCh38, 1-based): chr1:237,700,222, T>G. VCF-style: chr1-237700222-T-G. GRCh37 (hg19) VCF-style: chr1-237863522-T-G.
Identifiers: ClinVar variation 1111562 (VCV001111562.13), dbSNP rs1466669135, ClinGen allele CA2499214598.

ClinVar aggregate classification (germline): Likely benign. Review status: criteria provided, multiple submitters, no conflicts (2 of 4 stars). 3 submissions from 3 submitters: Likely benign (3). Last evaluated 2024-10-07.

Conditions:
Catecholaminergic polymorphic ventricular tachycardia 1. Also called: RYR2-Related Catecholaminergic Polymorphic Ventricular Tachycardia; VENTRICULAR TACHYCARDIA, CATECHOLAMINERGIC POLYMORPHIC, 1, WITH OR WITHOUT ATRIAL DYSFUNCTION AND/OR DILATED CARDIOMYOPATHY; VENTRICULAR TACHYCARDIA, STRESS-INDUCED POLYMORPHIC 1. Identifiers: Orphanet 3286, MedGen C1631597, MONDO:0011484, OMIM 604772.
Catecholaminergic polymorphic ventricular tachycardia (CVPT). Also called: Catecholamine-induced polymorphic ventricular tachycardia. Identifiers: Orphanet 3286, MedGen C5574922, MONDO:0017990.
Cardiomyopathy (CMYO). Also called: Cardiomyopathies. Identifiers: Orphanet 167848, MedGen C0878544, MONDO:0004994, HP:0001638. Inheritance: Various modes of inheritance.

gnomAD v4.1: 1 of 1,510,942 alleles (0.000066%); no homozygotes.

Submissions (3):

Labcorp Genetics (formerly Invitae), Labcorp
Classification: Likely benign for Catecholaminergic polymorphic ventricular tachycardia 1. Last evaluated: 2024-10-07. Review status: criteria provided, single submitter. Criteria: Invitae Variant Classification Sherloc (09022015). Collection method: clinical testing. Allele origin: germline.

All of Us Research Program, National Institutes of Health
Classification: Likely benign for Catecholaminergic polymorphic ventricular tachycardia. Last evaluated: 2023-08-15. Review status: criteria provided, single submitter. Criteria: ACMG Guidelines, 2015. Collection method: clinical testing. Allele origin: germline. Inheritance: Autosomal dominant inheritance. Observed: 2 variant alleles, 2 heterozygotes.
Comment: This study involves interpretation of variants in research participants for the purpose of population health screening. Participant phenotype was not available at the time of variant classification. Additional details can be found in publication PMID: 35346344, PMCID: PMC8962531

Color Diagnostics, LLC DBA Color Health
Classification: Likely benign for Cardiomyopathy. Last evaluated: 2021-07-27. Review status: criteria provided, single submitter. Criteria: ACMG Guidelines, 2015. Collection method: clinical testing. Allele origin: germline.